The following is an entry in ClinVar:

NM_000352.6(ABCC8):c.4446C>A (p.Ser1482Arg)

Gene: ABCC8 (ATP binding cassette subfamily C member 8; minus strand). Cytogenetic location: 11p15.1.
Variant type: single nucleotide variant.
Coding change: c.4446C>A on transcript NM_000352.6 (MANE Select); coding-DNA position 4446, C replaced by A.
Protein change: p.Ser1482Arg; replaces serine 1482 with arginine.
Molecular consequence: missense variant. On other transcripts: non-coding transcript variant (1).
Genome position (GRCh38, 1-based): chr11:17,394,365, G>T on the plus strand (C>A on the coding strand, the complement: ABCC8 is on the minus strand). VCF-style: chr11-17394365-G-T. GRCh37 (hg19) VCF-style: chr11-17415912-G-T.
Other names: c.4446C>A (NM_000352.4); c.4449C>A, p.Ser1483Arg (NM_001287174.3); c.4512C>A, p.Ser1504Arg (NM_001351295.2); c.4446C>A, p.Ser1482Arg (NM_001351296.2); c.4443C>A, p.Ser1481Arg (NM_001351297.2); short protein forms S1482R, S1483R, S1481R, S1504R.
Identifiers: ClinVar variation 551204 (VCV000551204.10), dbSNP rs1554904107, ClinGen allele CA379783518.

ClinVar aggregate classification (germline): Conflicting classifications of pathogenicity. Review status: criteria provided, conflicting classifications (1 of 4 stars). 7 submissions from 6 submitters: Likely pathogenic (1); Uncertain significance (4). 2 of the submissions do not count toward it. Last evaluated 2026-08-20.

Conditions:
Transitory neonatal diabetes mellitus. Also called: Transient neonatal diabetes mellitus. Identifiers: MedGen C0342273, MONDO:0020525, HP:0008255.
Maturity-onset diabetes of the young (MODY). Also called: Maturity onset diabetes mellitus in young. Identifiers: Orphanet 552, MedGen C0342276, MONDO:0018911, HP:0004904.
Hyperinsulinemic hypoglycemia, familial, 1 (HHF1). Also called: Persistent Hyperinsulinemia Hypoglycemia of Infancy; Persistent hyperinsulinemic hypoglycemia of infancy; HYPERINSULINISM, FAMILIAL, WITH PANCREATIC NESIDIOBLASTOSIS; HYPOGLYCEMIA, HYPERINSULINEMIC, OF INFANCY; NESIDIOBLASTOSIS OF PANCREAS. Identifiers: Orphanet 276575, Orphanet 276598, MedGen C2931832, MONDO:0009734, OMIM 256450.

Allele frequency attached by ClinVar (database versions not stated): gnomAD exomes 0.00001.
gnomAD v4.1: 9 of 1,614,182 alleles (0.00056%); highest among the groups gnomAD compares: Non-Finnish European, 0.00068%; no homozygotes.

Submissions (7):

Myriad Genetics, Inc.
Classification: Uncertain significance for Hyperinsulinemic hypoglycemia, familial, 1. Last evaluated: 2026-08-20. Review status: criteria provided, single submitter. Criteria: Myriad Autosomal Dominant, Autosomal Recessive and X-Linked Classification Criteria (2023). Collection method: clinical testing. Allele origin: unknown.
Comment: NM_000352.3(ABCC8):c.4446C>A(S1482R) is a missense variant classified as a variant of uncertain significance in the context of familial hyperinsulinism, ABCC8-related. S1482R has been observed in a case with relevant disease (PMID: 23345197). Relevant functional assessments of this variant are not available in the literature. S1482R has not been observed in referenced population frequency databases. In summary, there is insufficient evidence to classify NM_000352.3(ABCC8):c.4446C>A(S1482R) as pathogenic or benign. Please note: this variant was assessed in the context of healthy population screening.

Labcorp Genetics (formerly Invitae), Labcorp
Classification: Likely pathogenic. Last evaluated: 2025-11-25. Review status: criteria provided, single submitter. Criteria: Invitae Variant Classification Sherloc (09022015). Collection method: clinical testing. Allele origin: germline.
Comment: This sequence change replaces serine, which is neutral and polar, with arginine, which is basic and polar, at codon 1482 of the ABCC8 protein (p.Ser1482Arg). This variant is not present in population databases (gnomAD no frequency). This missense change has been observed in individual(s) with congenital hyperinsulinism (PMID: 23345197). In at least one individual the data is consistent with being in trans (on the opposite chromosome) from a pathogenic variant. This variant is also known as c.4449C>A (p.Ser1483Arg). ClinVar contains an entry for this variant (Variation ID: 551204). Invitae Evidence Modeling of protein sequence and biophysical properties (such as structural, functional, and spatial information, amino acid conservation, physicochemical variation, residue mobility, and thermodynamic stability) indicates that this missense variant is expected to disrupt ABCC8 protein function with a positive predictive value of 95%. Experimental studies have shown that this missense change affects ABCC8 function (PMID: 12169627). In summary, the currently available evidence indicates that the variant is pathogenic, but additional data are needed to prove that conclusively. Therefore, this variant has been classified as Likely Pathogenic.

Women's Health and Genetics/Laboratory Corporation of America, LabCorp
Classification: Uncertain significance. Last evaluated: 2025-07-15. Review status: criteria provided, single submitter. Criteria: LabCorp Variant Classification Summary - May 2015. Collection method: clinical testing. Allele origin: germline.
Comment: Variant summary: ABCC8 c.4446C>A (p.Ser1482Arg) results in a non-conservative amino acid change in the encoded protein sequence. Algorithms developed to predict the effect of missense changes on protein structure and function all suggest that this variant is likely to be disruptive. The variant was absent in 251448 control chromosomes. The available data on variant occurrences in the general population are insufficient to allow any conclusion about variant significance. c.4446C>A has been observed in individual(s) affected with Familial Hyperinsulinism (Kapoor_2013). These data do not allow any conclusion about variant significance. At least one publication reports experimental evidence evaluating an impact on protein function, however, does not allow convincing conclusions about the variant effect (Matsuo_2002). The following publications have been ascertained in the context of this evaluation (PMID: 23345197, 12169627). ClinVar contains an entry for this variant (Variation ID: 551204). Based on the evidence outlined above, the variant was classified as uncertain significance.

Clinical Genomics, Uppaluri K&H Personalized Medicine Clinic
Classification: Uncertain significance for Transitory neonatal diabetes mellitus. Review status: criteria provided, single submitter. Criteria: K & H Uppaluri Personalized Medicine Clinic Variant Classification & Assertion Criteria_Updated V.1. Collection method: research. Allele origin: somatic. Inheritance: Somatic mutation.
Comment: Mutations in ABCC8 gene are associated with both neonatal diabetes mellitus as well as MODY. Patients with this mutation may have a better response to sulfonylureas. However, no sufficient evidence is found to ascertain the role of this particular variant (rs1554904107 ) in neonatal diabetes yet.

Clinical Genomics, Uppaluri K&H Personalized Medicine Clinic
Classification: Uncertain significance for Maturity-onset diabetes of the young. Review status: criteria provided, single submitter. Criteria: K & H Uppaluri Personalized Medicine Clinic Variant Classification & Assertion Criteria_Updated V.1. Collection method: research. Allele origin: somatic. Inheritance: Somatic mutation.
Comment: Mutations in ABCC8 gene are associated with both neonatal diabetes mellitus as well as MODY. Patients with this mutation may have a better response to sulfonylureas. However, no sufficient evidence is found to ascertain the role of this particular variant (rs1554904107) in MODY yet.

Genetic Services Laboratory, University of Chicago
Classification: Likely pathogenic. Last evaluated: 2022-09-02. Review status: no assertion criteria provided. Collection method: clinical testing. Allele origin: germline. Affected: yes. Not counted in ClinVar's aggregate classification.
Comment: DNA sequence analysis of the ABCC8 gene demonstrated a sequence change, c.4446C>A, in exon 37 that results in an amino acid change, p.Ser1482Arg. This sequence change has previously been identified in the compound heterozygous state with a known pathogenic variant in an individual with congenital hyperinsulinism (PMID: 23345197). This sequence change has also not been described in population databases such as ExAC and gnomAD. The p.Ser1482Arg change affects a highly conserved amino acid residue located in a domain of the ABCC8 protein that is known to be functional. The p.Ser1482Arg substitution appears to be damaging using several in-silico pathogenicity prediction tools (SIFT, PolyPhen2, REVEL). This sequence change is the likely cause of this individual's phenotype, however functional studies have not been performed to prove this conclusively.

Counsyl
Classification: Uncertain significance for Hyperinsulinemic hypoglycemia, familial, 1. Last evaluated: 2017-03-21. Review status: no assertion criteria provided. Collection method: clinical testing. Allele origin: unknown. Not counted in ClinVar's aggregate classification.

Literature cited by the submitters: PubMed 23345197 (cited by 4 submitters); PubMed 12169627 (cited by 3 submitters); PubMed 16885549 (cited by Clinical Genomics, Uppaluri K&H Personalized Medicine Clinic); PubMed 21989597 (cited by Clinical Genomics, Uppaluri K&H Personalized Medicine Clinic); PubMed 27538677 (cited by Clinical Genomics, Uppaluri K&H Personalized Medicine Clinic); PubMed 18981553 (cited by Clinical Genomics, Uppaluri K&H Personalized Medicine Clinic); PubMed 32027066 (cited by Clinical Genomics, Uppaluri K&H Personalized Medicine Clinic); PubMed 16613899 (cited by Clinical Genomics, Uppaluri K&H Personalized Medicine Clinic); PubMed 18025408 (cited by Clinical Genomics, Uppaluri K&H Personalized Medicine Clinic); PubMed 32792356 (cited by Clinical Genomics, Uppaluri K&H Personalized Medicine Clinic).